The following is an entry in ClinVar:

ClinVar aggregate classification (germline): Uncertain significance (1 of 4 stars; one submission).

Conditions:
PCNT-related disorder. Also called: PCNT-related condition.

gnomAD v4.1: 3 of 1,608,036 alleles (0.00019%); highest among the groups gnomAD compares: African/African-American, 0.0027%; no homozygotes.

Submission:

PreventionGenetics, part of Exact Sciences
Classification: Uncertain significance for PCNT-related condition. Last evaluated: 2025-05-01. Review status: criteria provided, single submitter. Criteria: ACMG Guidelines, 2015. Collection method: clinical testing. Allele origin: germline.
Comment: The PCNT c.9689C>T variant is predicted to result in the amino acid substitution p.Ala3230Val. To our knowledge, this variant has not been reported in the literature. This variant is reported in 0.0062% of alleles in individuals of African descent in gnomAD. At this time, the clinical significance of this variant is uncertain due to the absence of conclusive functional and genetic evidence.

NM_006031.6(PCNT):c.9689C>T (p.Ala3230Val)

Gene: PCNT (pericentrin; plus strand). Cytogenetic location: 21q22.3.
Variant type: single nucleotide variant.
Coding change: c.9689C>T on transcript NM_006031.6 (MANE Select); coding-DNA position 9689, C replaced by T.
Protein change: p.Ala3230Val; replaces alanine 3230 with valine.
Molecular consequence: missense variant.
Genome position (GRCh38, 1-based): chr21:46,442,562, C>T. VCF-style: chr21-46442562-C-T. GRCh37 (hg19) VCF-style: chr21-47862475-C-T.
Other names: c.9098C>T, p.Ala3033Val (NM_001315529.2); short protein forms A3033V, A3230V.
Identifiers: ClinVar variation 4977357 (VCV004977357.1).